The following is an entry in ClinVar:

NM_007294.4(BRCA1):c.134+19T>G

Gene: BRCA1 (BRCA1 DNA repair associated; minus strand). Cytogenetic location: 17q21.31.
Variant type: single nucleotide variant.
Coding change: c.134+19T>G on transcript NM_007294.4 (MANE Select); 19 bases into the intron after coding-DNA position 134, T replaced by G.
Molecular consequence: intron variant.
Genome position (GRCh38, 1-based): chr17:43,115,707, A>C on the plus strand (T>G on the coding strand, the complement: BRCA1 is on the minus strand). VCF-style: chr17-43115707-A-C. GRCh37 (hg19) VCF-style: chr17-41267724-A-C.
Other names: c.-8+19T>G (NM_001408499.1, NM_001407933.1, NM_001407927.1 and 47 more transcripts); c.134+19T>G (NM_001408422.1, NM_001407874.1, NM_001408416.1 and 191 more transcripts); c.-124+19T>G (NM_001407727.1, NM_001407724.1, NM_001407746.1 and 13 more transcripts); c.-55+19T>G (NM_001407896.1, NM_001407952.1, NM_001407571.1 and 52 more transcripts); c.-171+19T>G (NM_001407900.1, NM_001408492.1, NM_001407889.1); c.-8+23T>G (NM_001407841.1); c.-55+8310T>G (NM_001407902.1, NM_001407898.1, NM_001407881.1); c.-219+9570T>G (NM_001407967.1); and 10 more.
Identifiers: ClinVar variation 868193 (VCV000868193.3), dbSNP rs1060504590, ClinGen allele CA916080951.

Conditions:
Breast-ovarian cancer, familial, susceptibility to, 1 (BROVCA1). Also called: BRCA1 Hereditary Breast and Ovarian Cancer; OVARIAN CANCER, SUSCEPTIBILITY TO. Identifiers: Orphanet 145, MedGen C2676676, MONDO:0011450, OMIM 604370. Disease mechanism: loss of function.

Submission:

Brotman Baty Institute, University of Washington
No classification provided (evidence only). Condition: Breast-ovarian cancer, familial 1. Review status: no classification provided. Collection method: in vitro. Allele origin: not applicable. Functional consequence: functionally_normal.
ClinVar note: "not provided" was previously submitted as the classification for the variant. However, the classification appeared to be based only on an observation of functional data so it was converted to no classification on 2025-07-30.